The following is an entry in ClinVar:

ClinVar aggregate classification (germline): Uncertain significance. Review status: criteria provided, multiple submitters, no conflicts (2 of 4 stars). 2 submissions from 2 submitters: Uncertain significance (2). Last evaluated 2025-05-23.

Conditions:
Hereditary cancer-predisposing syndrome. Also called: Tumor predisposition; Hereditary Cancer Syndrome; Hereditary neoplastic syndrome; Neoplastic Syndromes, Hereditary. Identifiers: Orphanet 140162, MedGen C0027672, MeSH D009386, MONDO:0015356.
POLD1-related polyposis and colorectal cancer syndrome (CRCS10). Also called: Colorectal cancer 10; COLORECTAL CANCER, SUSCEPTIBILITY TO, ON CHROMOSOME 19q; Colorectal cancer, susceptibility to, 10. Identifiers: Orphanet 220460, MedGen C2675481, MONDO:0012953, OMIM 612591.

Allele frequency attached by ClinVar (database versions not stated): gnomAD exomes below 0.00001.

Submissions (2):

Labcorp Genetics (formerly Invitae), Labcorp
Classification: Uncertain significance for POLD1-related polyposis and colorectal cancer syndrome. Last evaluated: 2025-05-23. Review status: criteria provided, single submitter. Criteria: Invitae Variant Classification Sherloc (09022015). Collection method: clinical testing. Allele origin: germline.
Comment: This sequence change replaces serine, which is neutral and polar, with leucine, which is neutral and non-polar, at codon 435 of the POLD1 protein (p.Ser435Leu). This variant is not present in population databases (gnomAD no frequency). This variant has not been reported in the literature in individuals affected with POLD1-related conditions. ClinVar contains an entry for this variant (Variation ID: 1058824). Invitae Evidence Modeling of protein sequence and biophysical properties (such as structural, functional, and spatial information, amino acid conservation, physicochemical variation, residue mobility, and thermodynamic stability) indicates that this missense variant is not expected to disrupt POLD1 protein function with a negative predictive value of 80%. In summary, the available evidence is currently insufficient to determine the role of this variant in disease. Therefore, it has been classified as a Variant of Uncertain Significance.

Ambry Genetics
Classification: Uncertain significance for Hereditary cancer-predisposing syndrome. Last evaluated: 2024-05-01. Review status: criteria provided, single submitter. Criteria: Ambry Variant Classification Scheme 2023. Collection method: clinical testing. Allele origin: germline.
Comment: The p.S435L variant (also known as c.1304C>T), located in coding exon 10 of the POLD1 gene, results from a C to T substitution at nucleotide position 1304. The serine at codon 435 is replaced by leucine, an amino acid with dissimilar properties. This amino acid position is conserved. In addition, this alteration is predicted to be tolerated by in silico analysis. Based on the available evidence, the clinical significance of this variant remains unclear.

NM_002691.4(POLD1):c.1304C>T (p.Ser435Leu)

Gene: POLD1 (DNA polymerase delta 1, catalytic subunit; plus strand). Cytogenetic location: 19q13.33.
Variant type: single nucleotide variant.
Coding change: c.1304C>T on transcript NM_002691.4 (MANE Select); coding-DNA position 1304, C replaced by T.
Protein change: p.Ser435Leu; replaces serine 435 with leucine.
Molecular consequence: missense variant. On other transcripts: non-coding transcript variant (1).
Genome position (GRCh38, 1-based): chr19:50,406,243, C>T. VCF-style: chr19-50406243-C-T. GRCh37 (hg19) VCF-style: chr19-50909500-C-T.
Other names: c.1304C>T, p.Ser435Leu (NM_001256849.1, NM_001308632.1); c.1304C>T (NM_002691.2); short protein forms S435L.
Identifiers: ClinVar variation 1058824 (VCV001058824.4), dbSNP rs2122318354, ClinGen allele CA406979832.